The following is an entry in ClinVar:

ClinVar aggregate classification (germline): Uncertain significance. Review status: criteria provided, multiple submitters, no conflicts (2 of 4 stars). 3 submissions from 3 submitters: Uncertain significance (3). Last evaluated 2025-06-26.

Allele frequency attached by ClinVar (database versions not stated): gnomAD exomes below 0.00001; ExAC 0.00001; gnomAD 0.00001; TOPMed 0.00002; ESP Exome Variant Server 0.00008; 1000 Genomes Project 30x 0.00016; 1000 Genomes Project 0.00020.
gnomAD v4.1: 5 of 1,614,182 alleles (0.00031%); highest among the groups gnomAD compares: Non-Finnish European, 0.00042%; no homozygotes.

Submissions (3):

GeneDx
Classification: Uncertain significance. Last evaluated: 2025-06-26. Review status: criteria provided, single submitter. Criteria: GeneDx Variant Classification Process June 2021. Collection method: clinical testing. Allele origin: germline. Affected: yes.
Comment: Not observed at significant frequency in large population cohorts (gnomAD); In silico analysis supports that this missense variant has a deleterious effect on protein structure/function; Has not been previously published as pathogenic or benign to our knowledge

Labcorp Genetics (formerly Invitae), Labcorp
Classification: Uncertain significance. Last evaluated: 2022-03-28. Review status: criteria provided, single submitter. Criteria: Invitae Variant Classification Sherloc (09022015). Collection method: clinical testing. Allele origin: germline.
Comment: In summary, the available evidence is currently insufficient to determine the role of this variant in disease. Therefore, it has been classified as a Variant of Uncertain Significance. Algorithms developed to predict the effect of missense changes on protein structure and function are either unavailable or do not agree on the potential impact of this missense change (SIFT: "Deleterious"; PolyPhen-2: "Possibly Damaging"; Align-GVGD: "Class C0"). This variant has not been reported in the literature in individuals affected with ABHD12-related conditions. This variant is present in population databases (rs145295298, gnomAD 0.002%). This sequence change replaces glycine, which is neutral and non-polar, with valine, which is neutral and non-polar, at codon 236 of the ABHD12 protein (p.Gly236Val).

Blueprint Genetics
Classification: Uncertain significance. Last evaluated: 2019-10-28. Review status: criteria provided, single submitter. Criteria: ACMG Guidelines, 2015. Collection method: clinical testing. Allele origin: germline.

NM_001042472.3(ABHD12):c.707G>T (p.Gly236Val)

Genes: ABHD12 (abhydrolase domain containing 12, lysophospholipase; minus strand), LOC126863008 (CDK7 strongly-dependent group 2 enhancer GRCh37_chr20:25289826-25291025; plus strand). Cytogenetic location: 20p11.21.
Variant type: single nucleotide variant.
Coding change: c.707G>T on transcript NM_001042472.3 (MANE Select); coding-DNA position 707, G replaced by T.
Protein change: p.Gly236Val; replaces glycine 236 with valine.
Molecular consequence: missense variant.
Genome position (GRCh38, 1-based): chr20:25,309,488, C>A on the plus strand (G>T on the coding strand, the complement: ABHD12 is on the minus strand). VCF-style: chr20-25309488-C-A. GRCh37 (hg19) VCF-style: chr20-25290124-C-A.
Other names: c.707G>T, p.Gly236Val (NM_015600.5); c.707G>T (NM_001042472.2); short protein forms G236V.
Identifiers: ClinVar variation 1914943 (VCV001914943.6), dbSNP rs145295298, ClinGen allele CA9796038.